The following is an entry in ClinVar:

ClinVar aggregate classification (germline): Uncertain significance. Review status: criteria provided, multiple submitters, no conflicts (2 of 4 stars). 2 submissions from 2 submitters: Uncertain significance (2). Last evaluated 2022-11-05.

Allele frequency attached by ClinVar (database versions not stated): TOPMed below 0.00001.
gnomAD v4.1: 3 of 1,613,192 alleles (0.00019%); highest among the groups gnomAD compares: Middle Eastern, 0.017%; no homozygotes.

Submissions (2):

Labcorp Genetics (formerly Invitae), Labcorp
Classification: Uncertain significance. Last evaluated: 2022-11-05. Review status: criteria provided, single submitter. Criteria: Invitae Variant Classification Sherloc (09022015). Collection method: clinical testing. Allele origin: germline.
Comment: Variants that disrupt the consensus splice site are a relatively common cause of aberrant splicing (PMID: 17576681, 9536098). Algorithms developed to predict the effect of sequence changes on RNA splicing suggest that this variant is not likely to affect RNA splicing. In summary, the available evidence is currently insufficient to determine the role of this variant in disease. Therefore, it has been classified as a Variant of Uncertain Significance. This variant has not been reported in the literature in individuals affected with IMPDH1-related conditions. This variant is not present in population databases (gnomAD no frequency). This sequence change falls in intron 16 of the IMPDH1 gene. It does not directly change the encoded amino acid sequence of the IMPDH1 protein. It affects a nucleotide within the consensus splice site.

Blueprint Genetics
Classification: Uncertain significance. Last evaluated: 2021-05-23. Review status: criteria provided, single submitter. Criteria: ACMG Guidelines, 2015. Collection method: clinical testing. Allele origin: germline.

Literature cited by the submitters: PubMed 17576681 (cited by Labcorp Genetics (formerly Invitae), Labcorp); PubMed 9536098 (cited by Labcorp Genetics (formerly Invitae), Labcorp).

NM_000883.4(IMPDH1):c.1778+3A>G

Gene: IMPDH1 (inosine monophosphate dehydrogenase 1; minus strand). Cytogenetic location: 7q32.1.
Variant type: single nucleotide variant.
Coding change: c.1778+3A>G on transcript NM_000883.4 (MANE Select); 3 bases into the intron after coding-DNA position 1778, A replaced by G.
Molecular consequence: intron variant.
Genome position (GRCh38, 1-based): chr7:128,394,275, T>C on the plus strand (A>G on the coding strand, the complement: IMPDH1 is on the minus strand). VCF-style: chr7-128394275-T-C. GRCh37 (hg19) VCF-style: chr7-128034329-T-C.
Other names: c.1571+3A>G (NM_001304521.2); c.1670+3A>G (NM_183243.3); c.1748+3A>G (NM_001102605.2); c.1679+3A>G (NM_001142576.2); c.1448+3A>G (NM_001142575.2); c.1508+3A>G (NM_001142574.2); c.1523+3A>G (NM_001142573.2).
Identifiers: ClinVar variation 2878000 (VCV002878000.4), dbSNP rs771566805, ClinGen allele CA457527479.
Genomic context (GRCh38, chr7:128,394,275, plus strand): 5'-ACCCTGGCCCCACCTGCCCAACCCACTGCCTCCAAGTGACAGCAAGGAGGCCACCACACT[T>C]ACGAGTGCAGGCCATGGACACCACCCTCAATCTGGGCCGACATGGTCCGCTTCTCAAACT-3'